The following is an entry in ClinVar:

NC_000004.12:g.22933066_23561480dup

Genes: LOC123477713 (Sharpr-MPRA regulatory region 7993; plus strand), LOC123477714 (Sharpr-MPRA regulatory region 1330; plus strand), LOC126807001 (MED14-independent group 3 enhancer GRCh37_chr4:23098384-23099583; plus strand), LOC126807002 (CDK7 strongly-dependent group 2 enhancer GRCh37_chr4:23236030-23237229; plus strand), LOC129992322 (ATAC-STARR-seq lymphoblastoid active region 21366; plus strand) and 1 more. Cytogenetic location: 4p15.2.
Variant type: Duplication.
Identifiers: ClinVar variation 156911 (VCV000156911.3).

ClinVar aggregate classification (germline): not provided (0 of 4 stars; one submission).

Conditions:
Gestational diabetes mellitus uncontrolled. Identifiers: MedGen C3532257.

Submission:

Institute of Molecular and Cell Biology, University of Tartu
No classification provided. Condition: Gestational diabetes mellitus uncontrolled. Review status: no classification provided. Collection method: case-control. Allele origin: unknown. Affected: yes. Study: Kasak2014.
Comment: The study aimed to determine the contribution of copy number variants in the genetic etiology of normal and complicated pregnancies. The samples represented (i) maternal blood DNA drawn from healthy pregnant women during 1st or 2nd trimester and (ii) maternal and paternal blood DNA drawn at term pregnancy cases representing normal and complicated gestations (severe preeclampsia, PE; gestational diabetes, GD; small-for-gestational age newborn, SGA; large-for-gestational age newborn, LGA). We performed CNV calling based on genome-wide genotyping dataset (Illumina HumanOmniExpress-24-v1 BeadChip) by applying three algorithms, QuantiSNP, GADA (Genome Alteration Detection Algorithm) and CNstream in parallel. The acquired CNV calls were merged with HD-CNV (Hotspot Detector for Copy Number Variants) program and only the CNVs predicted by at least two programs, were considered in subsequent analysis.

Literature cited by the submitters: PubMed 25666259.